The following is an entry in ClinVar:

NM_001394319.2(SDR42E2):c.56-293C>T

Gene: SDR42E2 (short chain dehydrogenase/reductase family 42E, member 2). Cytogenetic location: 16p12.2.
Variant type: single nucleotide variant.
Coding change: c.56-293C>T on transcript NM_001394319.2 (MANE Select); 293 bases into the intron before coding-DNA position 56, C replaced by T.
Molecular consequence: intron variant. On other transcripts: synonymous variant (1).
Genome position (GRCh38, 1-based): chr16:22,165,957, C>T. VCF-style: chr16-22165957-C-T. GRCh37 (hg19) VCF-style: chr16-22177278-C-T.
Other names: c.375C>T, p.Ser125= (NM_001365288.2).
Identifiers: ClinVar variation 4083955 (VCV004083955.8).
Genomic context (GRCh38, chr16:22,165,957, plus strand): 5'-AGGAGCTAGGTCCGTACCTGGGCCAGGAGCTGGGTCCGTACCTGGGCCAGGAGCTGGGTC[C>T]GTACCTGGGCCAGGAGCTGGGTCTGTACCTGGACCAGGAGCTGGGTCGGGACCTGGTCTA-3'

ClinVar aggregate classification (germline): Likely benign (1 of 4 stars; one submission).

gnomAD v4.1: 1 of 134,824 alleles (0.00074%); highest among the groups gnomAD compares: African/African-American, 0.0027%; no homozygotes.

Submission:

CeGaT Center for Human Genetics Tuebingen
Classification: Likely benign. Last evaluated: 2025-06-01. Review status: criteria provided, single submitter. Criteria: CeGaT Center For Human Genetics Tuebingen Variant Classification Criteria Version 2. Collection method: clinical testing. Allele origin: germline. Affected: yes. Observed: 1 variant allele.
Comment: SDR42E2: BP4, BP7